The following continues an entry in ClinVar:

NM_000545.8(HNF1A):c.1135C>G (p.Pro379Ala)

Gene: HNF1A. ClinVar aggregate classification (germline): Benign. Benign (1).

Submissions 9 to 16 of 16:

Molecular Genetics, Royal Melbourne Hospital
Classification: Likely pathogenic for Maturity-onset diabetes of the young type 3. Last evaluated: 2023-03-30. Review status: criteria provided, single submitter. Criteria: ACMG Guidelines, 2015. Collection method: clinical testing. Allele origin: germline. Affected: yes. Not counted in ClinVar's aggregate classification.
Comment: This sequence change is predicted to replace proline with alanine at codon 379 of the HNF1A protein, p.(Pro379Ala). The proline residue is highly conserved (100 vertebrates, UCSC), and there is a small physicochemical difference between proline and alanine. The variant is present in a large population cohort that incorporates multiple type 2 diabetes studies at a global frequency of 0.02% (rs754729248, 52/281432 alleles, 1 homozygote in gnomAD v2.1.1), and at 0.06% in the Latino population. It is present at a similar frequency of 0.02% (18/119738 alleles, 0 homozygotes) in the global gnomAD control cohort, but a reduced frequency of 0.03% in the controls of Latino background. This variant has been found in multiple cases diagnosed with different forms of diabetes including MODY3 (PMID: 18003757, 23348805, 23139355, 29207974, 30202817, 31485449), and is classified as likely pathogenic/pathogenic (ClinVar ID: 431970). Although the variant is more common in the population than expected for dominant disease, the prevalence of the variant in a MODY3 cohort (8/356, PMID: 18003757) is significantly increased compared with the prevalence in gnomAD controls. Additionally, this variant is present within small cohorts of HNF1A-MODY cases with significantly increased haemoglobin A1c and fasting glucose levels, and bile acid synthesis compared to healthy controls (PMID: 23139355, 23607861). The variant is located in the transactivation domain (PMID: 18003757), and functional studies have shown that Pro379Ala significantly increases activation of the CYP7A1 promoter compared to wild-type (PMID: 23607861). Multiple lines of computational evidence predict a deleterious effect for the missense substitution (7/7 algorithms). Furthermore, four alternative missense changes at this position have been seen before in MODY3 cases (p.Pro379Thr, p.Pro379Ser, p.Pro379Arg, p.Pro379His; PMID: 18003757, 16917892). Based on the classification scheme RMH ACMG Guidelines v1.2.1, this variant is classified as LIKELY PATHOGENIC. Following criteria are met: PS4, PS3_Supporting, PP3.

Mendelics
Classification: Likely pathogenic for Type 2 diabetes mellitus. Last evaluated: 2022-05-04. Review status: criteria provided, single submitter. Criteria: Mendelics Assertion Criteria 2019. Collection method: clinical testing. Allele origin: germline. Not counted in ClinVar's aggregate classification.

3billion
Classification: Uncertain significance for Maturity-onset diabetes of the young type 3. Last evaluated: 2022-03-22. Review status: criteria provided, single submitter. Criteria: ACMG Guidelines, 2015. Collection method: clinical testing. Allele origin: germline. Affected: yes. Observed: 1 heterozygote. Not counted in ClinVar's aggregate classification.
Comment: Different missense changes at the same codon have been reported to be associated with HNF1A related disorder (PMID:18003757,18003757,15883474,15657605). In silico tool predictions suggest damaging effect of the variant on gene or gene product (REVEL: 0.964>=0.6). A missense variant is a common mechanism . It is observed in the gnomAD v2.1.1 dataset at total allele frequency of 0.000188. Therefore, this variant is classified as uncertain significance according to the recommendation of ACMG/AMP guideline.

CeGaT Center for Human Genetics Tuebingen
Classification: Likely pathogenic. Last evaluated: 2021-12-01. Review status: criteria provided, single submitter. Criteria: CeGaT Center For Human Genetics Tuebingen Variant Classification Criteria Version 2. Collection method: clinical testing. Allele origin: germline. Affected: yes. Observed: 1 variant allele. Not counted in ClinVar's aggregate classification.

Laboratory for Molecular Medicine, Mass General Brigham Personalized Medicine
Classification: Uncertain significance. Last evaluated: 2020-11-06. Review status: criteria provided, single submitter. Criteria: ACMG Guidelines, 2015. Collection method: clinical testing. Allele origin: germline. Not counted in ClinVar's aggregate classification.
Comment: The p.Pro379Ala variant in HNF1A has been reported in at least 14 individuals with maturity-onset diabetes of the young, 1 individual with type 1 diabetes and 1 individual with type 2 diabetes (Cervin 2010 PMID: 19754856, Ekholm 2013 23607861, Huang 2018 30155490, Bellanné-Chantelot 2008 PMID: 18003757, Yu 2019 PMID: 31264968, Kleinberger 2017 PMID: 29758564), but it has also been identified in 0.08% (28/35382) of Latino chromosomes by the gnomAD. This variant has also been reported in ClinVar (VariationID: 431970). Computational prediction tools and conservation analyses suggest that this variant may impact the protein, though this information is not predictive enough to determine pathogenicity. Multiple variants in the same region as p.Pro379Ala have been reported in association with disease in the literature, suggesting that this variant is in a mutational hot spot and additional variants involving this codon (p.Pro379Thr, p.Pro379Arg, and p.Pro379His) have been reported in individuals with monogenic diabetes supporting that a change at this position may not be tolerated. In summary, due to conflicting data, the clinical significance of this variant is uncertain. ACMG/AMP Criteria applied: BS1_Supporting, PM1, PM5, PP3.

Broad Center for Mendelian Genomics, Broad Institute of MIT and Harvard
Classification: Uncertain significance for Maturity-onset diabetes of the young type 3. Last evaluated: 2020-01-22. Review status: criteria provided, single submitter. Criteria: ACMG Guidelines, 2015. Collection method: curation. Allele origin: germline. Inheritance: Autosomal dominant inheritance. Not counted in ClinVar's aggregate classification.
Comment: The p.Pro379Ala variant in HNF1A has been reported in 8 individuals with maturity-onset diabetes of the young type 3 (PMID: 19754856, 29207974, 23607861, 30202817, 30155490, 2176128) and has been Identified in 0.07914% (28/35382) of Latino chromosomes, and at lower frequencies in other populations, by the Genome Aggregation Database (gnomAD; dbSNP rs754729248). This variant has also been reported in ClinVar (VariationID: 431970) as likely pathogenic by GeneDx and as pathogenic by Fulgent Genetics. Computational prediction tools and conservation analyses suggest that this variant may impact the protein, though this information is not predictive enough to determine pathogenicity. Multiple variants in the same region as p.Pro379Ala have been reported in association with disease in the literature, suggesting that this variant is in a mutational hot spot and supports pathogenicity (PMID: 23348805, 16917892). Three additional likely pathogenic variants, resulting in a different amino acid change at the same position, p.Pro379Thr, p.Pro379Arg, and p.Pro379His, have been reported in association with disease in the literature, supporting that a change at this position may not be tolerated (PMID: 23348805, 16917892, 29666556, 15657605, 15883474, 30293189, 21683639, 26479152, 28012402). In summary the clinical significance of the p.Pro379Ala variant is uncertain. ACMG/AMP Criteria applied: BA1, PS4_moderate, PM1, PM5, PP3, (Richards 2015).

Fulgent Genetics
Classification: Pathogenic for Type 2 diabetes mellitus; Hepatic adenomas, familial; Nonpapillary renal cell carcinoma; Diabetes mellitus type 1; Maturity-onset diabetes of the young type 3; Type 1 diabetes mellitus 20. Last evaluated: 2018-10-31. Review status: criteria provided, single submitter. Criteria: ACMG Guidelines, 2015. Collection method: clinical testing. Allele origin: unknown. Not counted in ClinVar's aggregate classification.

Illumina Laboratory Services, Illumina
Classification: Uncertain significance for Maturity-onset diabetes of the young type 3. Last evaluated: 2017-04-28. Review status: criteria provided, single submitter. Criteria: ICSL Variant Classification Criteria 13 December 2019. Collection method: clinical testing. Allele origin: germline. Not counted in ClinVar's aggregate classification.
Comment: This variant was observed as part of a predisposition screen in an ostensibly healthy population. A literature search was performed for the gene, cDNA change, and amino acid change (where applicable). Publications were found based on this search. However, the evidence from the literature, in combination with allele frequency data from public databases where available, was not sufficient to rule this variant in or out of causing disease. Therefore, this variant is classified as a variant of unknown significance.

Literature cited by the submitters: PubMed 18003757 (cited by 9 submitters); PubMed 23348805 (cited by 4 submitters); PubMed 29207974 (cited by 6 submitters); PubMed 21761282 (cited by 4 submitters); PubMed 23607861 (cited by 9 submitters); PubMed 31264968 (cited by 4 submitters); PubMed 30155490 (cited by 4 submitters); PubMed 29758564 (cited by 3 submitters); PubMed 36208030 (cited by Women's Health and Genetics/Laboratory Corporation of America, LabCorp); PubMed 34308104 (cited by Women's Health and Genetics/Laboratory Corporation of America, LabCorp); PubMed 35150601 (cited by Women's Health and Genetics/Laboratory Corporation of America, LabCorp); PubMed 23139355 (cited by 3 submitters); PubMed 30202817 (cited by 3 submitters); PubMed 19754856 (cited by 3 submitters); PubMed 7842064 (cited by Athena Diagnostics); PubMed 31485449 (cited by Athena Diagnostics and Molecular Genetics, Royal Melbourne Hospital); PubMed 35218126 (cited by Athena Diagnostics); PubMed 16917892 (cited by 3 submitters); PubMed 15883474 (cited by 3billion); PubMed 15657605 (cited by 3billion); PubMed 21170474 (cited by Illumina Laboratory Services, Illumina).